The following is an entry in ClinVar:

ClinVar aggregate classification (germline): Benign/Likely benign. Review status: criteria provided, multiple submitters, no conflicts (2 of 4 stars). 4 submissions from 4 submitters: Benign (1); Likely benign (3). Last evaluated 2025-03-27.

Allele frequency attached by ClinVar (database versions not stated): gnomAD exomes 0.00054; ExAC 0.00065; 1000 Genomes Project 30x 0.00156; 1000 Genomes Project 0.00180; TOPMed 0.00212; gnomAD 0.00242; ESP Exome Variant Server 0.00292.
gnomAD v4.1: 598 of 1,609,576 alleles (0.037%); highest among the groups gnomAD compares: African/African-American, 0.73%; 1 homozygote.

Submissions (4):

Labcorp Genetics (formerly Invitae), Labcorp
Classification: Benign. Last evaluated: 2025-03-27. Review status: criteria provided, single submitter. Criteria: Invitae Variant Classification Sherloc (09022015). Collection method: clinical testing. Allele origin: germline.

Mayo Clinic Laboratories, Mayo Clinic
Classification: Likely benign. Last evaluated: 2025-03-10. Review status: criteria provided, single submitter. Criteria: ACMG Guidelines, 2015. Collection method: clinical testing. Allele origin: germline. Observed: 1 variant allele.
Comment: BS1, BP4, BP7

Blueprint Genetics
Classification: Likely benign. Last evaluated: 2024-02-01. Review status: criteria provided, single submitter. Criteria: ACMG Guidelines, 2015. Collection method: clinical testing. Allele origin: germline.

CeGaT Center for Human Genetics Tuebingen
Classification: Likely benign. Last evaluated: 2022-03-01. Review status: criteria provided, single submitter. Criteria: CeGaT Center For Human Genetics Tuebingen Variant Classification Criteria Version 2. Collection method: clinical testing. Allele origin: germline. Affected: yes. Observed: 1 variant allele.
Comment: RNF213: BP4, BP7

NM_001256071.3(RNF213):c.576C>T (p.Ser192=)

Gene: RNF213 (ring finger protein 213; plus strand). Cytogenetic location: 17q25.3.
Variant type: single nucleotide variant.
Coding change: c.576C>T on transcript NM_001256071.3 (MANE Select); coding-DNA position 576, C replaced by T.
Protein change: p.Ser192=; no amino-acid change (serine 192 retained).
Molecular consequence: synonymous variant.
Genome position (GRCh38, 1-based): chr17:80,288,129, C>T. VCF-style: chr17-80288129-C-T. GRCh37 (hg19) VCF-style: chr17-78261928-C-T.
Other names: p.Ser192=; c.576C>T, p.Ser192= (NM_020954.4).
Identifiers: ClinVar variation 730273 (VCV000730273.32), dbSNP rs112089914, ClinGen allele CA8819290.
Genomic context (GRCh38, chr17:80,288,129, plus strand): 5'-CCCCCTGCAGGCCCAGGCTTTGGGAGAGGCAGGAGTGGCCACAGGAAGTGAGGCTCAGAG[C>T]AGCCCGCAATTCCAGGACCACACGGAAGGGGAGGACCAGGACGCTTCCATCCCCTCTGGG-3'
Protein context (NP_001243000.2, residues 182-202): AGVATGSEAQ[Ser192=]SPQFQDHTEG